The following is an entry in ClinVar:

NM_000751.3(CHRND):c.1199T>C (p.Met400Thr)

Gene: CHRND (cholinergic receptor nicotinic delta subunit; plus strand). Cytogenetic location: 2q37.1.
Variant type: single nucleotide variant.
Coding change: c.1199T>C on transcript NM_000751.3 (MANE Select); coding-DNA position 1199, T replaced by C.
Protein change: p.Met400Thr; replaces methionine 400 with threonine.
Molecular consequence: missense variant.
Genome position (GRCh38, 1-based): chr2:232,534,082, T>C. VCF-style: chr2-232534082-T-C. GRCh37 (hg19) VCF-style: chr2-233398792-T-C.
Other names: c.1154T>C, p.Met385Thr (NM_001256657.2); c.617T>C, p.Met206Thr (NM_001311195.2); c.896T>C, p.Met299Thr (NM_001311196.2); short protein forms M400T, M206T, M385T, M299T.
Identifiers: ClinVar variation 1361773 (VCV001361773.8), dbSNP rs774443865, ClinGen allele CA2168286.
Genomic context (GRCh38, chr2:232,534,082, plus strand): 5'-CCCTGGGATACATCTCCAAGGCCGAGGAGTACTTCCTGCTCAAGTCCCGCAGTGACCTCA[T>C]GTTCGAGAAGCAGTCAGAGCGGCATGGGCTGGCCAGGCGCCTCACCACTGCACGTGGGTC-3'
Protein context (NP_000742.1, residues 390-410): YFLLKSRSDL[Met400Thr]FEKQSERHGL

ClinVar aggregate classification (germline): Uncertain significance (1 of 4 stars; one submission).

Conditions:
Lethal multiple pterygium syndrome (LMPS). Identifiers: Orphanet 33108, MedGen C1854678, MONDO:0009668, OMIM 253290.

Allele frequency attached by ClinVar (database versions not stated): TOPMed below 0.00001; ExAC 0.00001; gnomAD exomes 0.00001.
gnomAD v4.1: 5 of 1,614,098 alleles (0.00031%); highest among the groups gnomAD compares: South Asian, 0.0011%; no homozygotes.

Submission:

Labcorp Genetics (formerly Invitae), Labcorp
Classification: Uncertain significance for Lethal multiple pterygium syndrome. Last evaluated: 2022-02-08. Review status: criteria provided, single submitter. Criteria: Invitae Variant Classification Sherloc (09022015). Collection method: clinical testing. Allele origin: germline.
Comment: In summary, the available evidence is currently insufficient to determine the role of this variant in disease. Therefore, it has been classified as a Variant of Uncertain Significance. Advanced modeling of protein sequence and biophysical properties (such as structural, functional, and spatial information, amino acid conservation, physicochemical variation, residue mobility, and thermodynamic stability) performed at Invitae indicates that this missense variant is not expected to disrupt CHRND protein function. This variant has not been reported in the literature in individuals affected with CHRND-related conditions. This variant is present in population databases (rs774443865, gnomAD 0.0009%). This sequence change replaces methionine, which is neutral and non-polar, with threonine, which is neutral and polar, at codon 400 of the CHRND protein (p.Met400Thr).